The following is an entry in ClinVar:

ClinVar aggregate classification (germline): Pathogenic (1 of 4 stars; one submission).

Conditions:
Charcot-Marie-Tooth disease, type I (CMT1). Also called: Charcot-Marie-Tooth disease type 1; Charcot-Marie-Tooth, Type 1. Identifiers: Orphanet 65753, MedGen C0751036, MONDO:0019011.

Submission:

Labcorp Genetics (formerly Invitae), Labcorp
Classification: Pathogenic for Charcot-Marie-Tooth disease, type I. Last evaluated: 2025-05-22. Review status: criteria provided, single submitter. Criteria: Invitae Variant Classification Sherloc (09022015). Collection method: clinical testing. Allele origin: germline.
Comment: This sequence change creates a premature translational stop signal (p.Gln191*) in the MPZ gene. It is expected to result in an absent or disrupted protein product. Loss-of-function variants in MPZ are known to be pathogenic (PMID: 14711881). This variant is not present in population databases (gnomAD no frequency). This premature translational stop signal has been observed in individual(s) with Charcot-Marie-Tooth disease (PMID: 25614874). ClinVar contains an entry for this variant (Variation ID: 1449858). For these reasons, this variant has been classified as Pathogenic.

Literature cited by the submitters: PubMed 14711881; PubMed 25614874.

NM_000530.8(MPZ):c.571C>T (p.Gln191Ter)

Gene: MPZ (myelin protein zero; minus strand). Cytogenetic location: 1q23.3.
Variant type: single nucleotide variant.
Coding change: c.571C>T on transcript NM_000530.8 (MANE Select); coding-DNA position 571, C replaced by T.
Protein change: p.Gln191Ter; replaces glutamine 191 with a stop codon.
Molecular consequence: nonsense.
Genome position (GRCh38, 1-based): chr1:161,306,342, G>A on the plus strand (C>T on the coding strand, the complement: MPZ is on the minus strand). VCF-style: chr1-161306342-G-A. GRCh37 (hg19) VCF-style: chr1-161276132-G-A.
Other names: c.571C>T, p.Gln191Ter (NM_001315491.2); short protein forms Q191*.
Identifiers: ClinVar variation 1449858 (VCV001449858.8), dbSNP rs2102257979, ClinGen allele CA343345327.